The following is an entry in ClinVar:

ClinVar aggregate classification (germline): Conflicting classifications of pathogenicity. Review status: criteria provided, conflicting classifications (1 of 4 stars). 6 submissions from 6 submitters: Uncertain significance (1); Likely benign (5). Last evaluated 2025-09-04.

Conditions:
Cardiovascular phenotype. Identifiers: MedGen CN230736.

Allele frequency attached by ClinVar (database versions not stated): ESP Exome Variant Server 0.00026; ExAC 0.00030; gnomAD 0.00035 and 0.00038; TOPMed 0.00040; 1000 Genomes Project 0.00060; 1000 Genomes Project 30x 0.00094.
gnomAD v4.1: 418 of 1,608,020 alleles (0.026%); highest among the groups gnomAD compares: Middle Eastern, 0.17%; no homozygotes.

Submissions (6):

Ambry Genetics
Classification: Likely benign for Cardiovascular phenotype. Last evaluated: 2025-09-04. Review status: criteria provided, single submitter. Criteria: Ambry Variant Classification Scheme 2023. Collection method: clinical testing. Allele origin: germline.

Women's Health and Genetics/Laboratory Corporation of America, LabCorp
Classification: Likely benign. Last evaluated: 2025-04-21. Review status: criteria provided, single submitter. Criteria: LabCorp Variant Classification Summary - May 2015. Collection method: clinical testing. Allele origin: germline.
Comment: Variant summary: TNXB c.2927G>A (p.Arg976His) results in a non-conservative amino acid change in the encoded protein sequence. Three of four in-silico tools predict a benign effect of the variant on protein function. The variant allele was found at a frequency of 0.00029 in 243482 control chromosomes, predominantly at a frequency of 0.0013 within the African or African-American subpopulation in the gnomAD database. The observed variant frequency within African or African-American control individuals in the gnomAD database is approximately 1.2 fold of the estimated maximal expected allele frequency for a pathogenic variant in TNXB causing Ehlers-Danlos syndrome due to tenascin-X deficiency phenotype (0.0011). To our knowledge, no occurrence of c.2927G>A in individuals affected with Ehlers-Danlos syndrome due to tenascin-X deficiency and no experimental evidence demonstrating its impact on protein function have been reported. ClinVar contains an entry for this variant (Variation ID: 286132). Based on the evidence outlined above, the variant was classified as likely benign.

Mayo Clinic Laboratories, Mayo Clinic
Classification: Likely benign. Last evaluated: 2025-02-21. Review status: criteria provided, single submitter. Criteria: ACMG Guidelines, 2015. Collection method: clinical testing. Allele origin: germline. Observed: 1 variant allele.
Comment: BS1, BP4_moderate

CeGaT Center for Human Genetics Tuebingen
Classification: Likely benign. Last evaluated: 2023-07-01. Review status: criteria provided, single submitter. Criteria: CeGaT Center For Human Genetics Tuebingen Variant Classification Criteria Version 2. Collection method: clinical testing. Allele origin: germline. Affected: yes. Observed: 2 variant alleles.
Comment: TNXB: BP4

GeneDx
Classification: Likely benign. Last evaluated: 2019-12-12. Review status: criteria provided, single submitter. Criteria: GeneDx Variant Classification Process June 2021. Collection method: clinical testing. Allele origin: germline. Affected: yes.
Comment: In silico analysis, which includes protein predictors and evolutionary conservation, supports that this variant does not alter protein structure/function; Has not been previously published as pathogenic or benign to our knowledge; Reported in ClinVar as a variant of uncertain significance (ClinVar Variant ID# 286132; Landrum et al., 2016)

Eurofins Ntd Llc (ga)
Classification: Uncertain significance. Last evaluated: 2016-02-24. Review status: criteria provided, single submitter. Criteria: EGL Classification Definitions 2015. Collection method: clinical testing. Allele origin: germline. Observed: 3 variant alleles, 1 heterozygote.

NM_001365276.2(TNXB):c.2927G>A (p.Arg976His)

Gene: TNXB (tenascin XB; minus strand). Cytogenetic location: 6p21.33.
Variant type: single nucleotide variant.
Coding change: c.2927G>A on transcript NM_001365276.2 (MANE Select); coding-DNA position 2927, G replaced by A.
Protein change: p.Arg976His; replaces arginine 976 with histidine.
Molecular consequence: missense variant.
Genome position (GRCh38, 1-based): chr6:32,085,971, C>T on the plus strand (G>A on the coding strand, the complement: TNXB is on the minus strand). VCF-style: chr6-32085971-C-T. GRCh37 (hg19) VCF-style: chr6-32053748-C-T.
Other names: p.Arg976His; c.2927G>A, p.Arg976His (NM_019105.8); short protein forms R976H.
Identifiers: ClinVar variation 286132 (VCV000286132.57), dbSNP rs200771983, ClinGen allele CA3735293.